The following is an entry in ClinVar:

NM_000466.3(PEX1):c.2584-12T>G

Gene: PEX1 (peroxisomal biogenesis factor 1; minus strand). Cytogenetic location: 7q21.2.
Variant type: single nucleotide variant.
Coding change: c.2584-12T>G on transcript NM_000466.3 (MANE Select); 12 bases into the intron before coding-DNA position 2584, T replaced by G.
Molecular consequence: intron variant.
Genome position (GRCh38, 1-based): chr7:92,499,850, A>C on the plus strand (T>G on the coding strand, the complement: PEX1 is on the minus strand). VCF-style: chr7-92499850-A-C. GRCh37 (hg19) VCF-style: chr7-92129164-A-C.
Other names: c.2413-12T>G (NM_001282677.2); c.1960-12T>G (NM_001282678.2).
Identifiers: ClinVar variation 3030099 (VCV003030099.2), dbSNP rs1320590069, ClinGen allele CA576304306.

ClinVar aggregate classification (germline): Likely benign (0 of 4 stars; one submission).

Conditions:
PEX1-related disorder. Also called: PEX1-related condition.

Allele frequency attached by ClinVar (database versions not stated): gnomAD exomes below 0.00001; TOPMed 0.00002; gnomAD 0.00003.
gnomAD v4.1: 6 of 1,500,636 alleles (0.0004%); highest among the groups gnomAD compares: African/African-American, 0.0083%; no homozygotes.

Submission:

PreventionGenetics, part of Exact Sciences
Classification: Likely benign for PEX1-related condition. Last evaluated: 2023-09-11. Review status: no assertion criteria provided. Collection method: clinical testing. Allele origin: germline.
Comment: This variant is classified as likely benign based on ACMG/AMP sequence variant interpretation guidelines (Richards et al. 2015 PMID: 25741868, with internal and published modifications).